The following is an entry in ClinVar:

ClinVar aggregate classification (germline): Likely benign (0 of 4 stars; one submission).

Conditions:
KCNJ12-related disorder. Also called: KCNJ12-related condition.

Allele frequency attached by ClinVar (database versions not stated): ExAC 0.00001; 1000 Genomes Project 0.00020.

Submission:

PreventionGenetics, part of Exact Sciences
Classification: Likely benign for KCNJ12-related condition. Last evaluated: 2019-03-20. Review status: no assertion criteria provided. Collection method: clinical testing. Allele origin: germline.
Comment: This variant is classified as likely benign based on ACMG/AMP sequence variant interpretation guidelines (Richards et al. 2015 PMID: 25741868, with internal and published modifications).

NM_021012.5(KCNJ12):c.366C>T (p.Pro122=)

Gene: KCNJ12 (potassium inwardly rectifying channel subfamily J member 12; plus strand). Cytogenetic location: 17p11.2.
Variant type: single nucleotide variant.
Coding change: c.366C>T on transcript NM_021012.5 (MANE Select); coding-DNA position 366, C replaced by T.
Protein change: p.Pro122=; no amino-acid change (proline 122 retained).
Molecular consequence: synonymous variant.
Genome position (GRCh38, 1-based): chr17:21,415,708, C>T. VCF-style: chr17-21415708-C-T. GRCh37 (hg19) VCF-style: chr17-21319020-C-T.
Identifiers: ClinVar variation 3047136 (VCV003047136.2), dbSNP rs550671620, ClinGen allele CA8451096.